The following is an entry in ClinVar:

NC_000003.12:g.169764733del

Genes: TERC (telomerase RNA component; minus strand), LOC110806306 (telomerase RNA component (TERC) promoter; plus strand). Cytogenetic location: 3q26.2.
Variant type: Deletion.
Genome position: GRCh38 VCF-style: chr3-169764732-AG-A. GRCh37 (hg19) VCF-style: chr3-169482520-AG-A.
Identifiers: ClinVar variation 2915715 (VCV002915715.3), dbSNP rs2474262063, ClinGen allele CA2739277855.
Genomic context (GRCh38, chr3:169,764,732, plus strand): 5'-GACTCGCTCCGTTCCTCTTCCTGCGGCCTGAAAGGCCTGAACCTCGCCCTCGCCCCCGAG[AG>A]ACCCGCGGCTGACAGAGCCCAACTCTTCGCGGTGGCAGTGGGTGCCTCCGGAGAAGCCCC-3'

ClinVar aggregate classification (germline): Uncertain significance (1 of 4 stars; one submission).

Conditions:
Dyskeratosis congenita, autosomal dominant 1 (DKCA1). Also called: Dyskeratosis congenita Scoggins type. Identifiers: Orphanet 1775, MedGen C4551974, MONDO:0007485, OMIM 127550. Inheritance: Variable.

Submission:

Labcorp Genetics (formerly Invitae), Labcorp
Classification: Uncertain significance for Dyskeratosis congenita, autosomal dominant 1. Last evaluated: 2023-11-24. Review status: criteria provided, single submitter. Criteria: Invitae Variant Classification Sherloc (09022015). Collection method: clinical testing. Allele origin: germline.
Comment: This variant occurs in the TERC gene, which encodes an RNA molecule that does not result in a protein product. This variant is not present in population databases (gnomAD no frequency). This variant has not been reported in the literature in individuals affected with TERC-related conditions. Experimental studies and prediction algorithms are not available or were not evaluated, and the functional significance of this variant is currently unknown. This variant is located within the hypervariable region that is not conserved in the TERC RNA component (PMID: 10721988, 21844345). The functional significance of this region is not well understood. In summary, the available evidence is currently insufficient to determine the role of this variant in disease. Therefore, it has been classified as a Variant of Uncertain Significance.

Literature cited by the submitters: PubMed 10721988; PubMed 21844345.